The following is an entry in ClinVar:

ClinVar aggregate classification (germline): Uncertain significance (1 of 4 stars; one submission).

gnomAD v4.1: 1 of 1,614,224 alleles (0.000062%); highest among the groups gnomAD compares: Non-Finnish European, 0.000085%; no homozygotes.

Submission:

GeneDx
Classification: Uncertain significance. Last evaluated: 2025-08-04. Review status: criteria provided, single submitter. Criteria: GeneDx Variant Classification Process June 2021. Collection method: clinical testing. Allele origin: germline.
Comment: Not observed at significant frequency in large population cohorts (gnomAD); In silico analysis supports that this missense variant has a deleterious effect on protein structure/function; Has not been previously published as pathogenic or benign to our knowledge

NM_004380.3(CREBBP):c.728T>C (p.Leu243Pro)

Gene: CREBBP (CREB binding lysine acetyltransferase; minus strand). Cytogenetic location: 16p13.3.
Variant type: single nucleotide variant.
Coding change: c.728T>C on transcript NM_004380.3 (MANE Select); coding-DNA position 728, T replaced by C.
Protein change: p.Leu243Pro; replaces leucine 243 with proline.
Molecular consequence: missense variant.
Genome position (GRCh38, 1-based): chr16:3,850,367, A>G on the plus strand (T>C on the coding strand, the complement: CREBBP is on the minus strand). VCF-style: chr16-3850367-A-G. GRCh37 (hg19) VCF-style: chr16-3900368-A-G.
Other names: c.728T>C, p.Leu243Pro (NM_001079846.1); short protein forms L243P.
Identifiers: ClinVar variation 3359641 (VCV003359641.2).
Genomic context (GRCh38, chr16:3,850,367, plus strand): 5'-CCTCCTGCCTGTGCGGTGTTCAGTCCCGCGTGACCAGTCATTTGCGGGGAAACCTGCGTT[A>G]GGGTCTCAGCCAGCACGCTGCTCGAGGCGCCCTGCATGGCTGGAGTAGGGTACGGCATTC-3'
Protein context (NP_004371.2, residues 233-253): GASSSVLAET[Leu243Pro]TQVSPQMTGH